The following is an entry in ClinVar:

ClinVar aggregate classification (germline): Uncertain significance (1 of 4 stars; one submission).

Conditions:
Long QT syndrome (LQTS). Identifiers: MedGen C0023976, MeSH D008133, MONDO:0002442. Disease mechanism: loss of function. Inheritance: Various modes of inheritance.

Submissions (2):

Labcorp Genetics (formerly Invitae), Labcorp
Classification: Uncertain significance for Long QT syndrome. Last evaluated: 2020-08-14. Review status: criteria provided, single submitter. Criteria: Invitae Variant Classification Sherloc (09022015). Collection method: clinical testing. Allele origin: germline.
Comment: This sequence change replaces proline with leucine at codon 127 of the KCNE1 protein (p.Pro127Leu). The proline residue is moderately conserved and there is a moderate physicochemical difference between proline and leucine. In summary, the available evidence is currently insufficient to determine the role of this variant in disease. Therefore, it has been classified as a Variant of Uncertain Significance. Algorithms developed to predict the effect of missense changes on protein structure and function output the following: SIFT: "Tolerated"; PolyPhen-2: "Benign"; Align-GVGD: "Class C0". The leucine amino acid residue is found in multiple mammalian species, suggesting that this missense change does not adversely affect protein function. These predictions have not been confirmed by published functional studies and their clinical significance is uncertain. This variant has not been reported in the literature in individuals with KCNE1-related disease. This variant is not present in population databases (ExAC no frequency).

Roden Lab, Vanderbilt University Medical Center
No classification provided (evidence only). Condition: Long QT syndrome 5. Review status: no classification provided. Collection method: in vitro. Allele origin: not applicable. Functional consequence: Effect on ion channel function. Not counted in ClinVar's aggregate classification.
ClinVar note: "not provided" was previously submitted as the classification for the variant. However, the classification appeared to be based only on an observation of functional data so it was converted to no classification on 2025-07-30.

NM_000219.6(KCNE1):c.380C>T (p.Pro127Leu)

Gene: KCNE1 (potassium voltage-gated channel subfamily E regulatory subunit 1; minus strand). Cytogenetic location: 21q22.12.
Variant type: single nucleotide variant.
Coding change: c.380C>T on transcript NM_000219.6 (MANE Select); coding-DNA position 380, C replaced by T.
Protein change: p.Pro127Leu; replaces proline 127 with leucine.
Molecular consequence: missense variant.
Genome position (GRCh38, 1-based): chr21:34,449,255, G>A on the plus strand (C>T on the coding strand, the complement: KCNE1 is on the minus strand). VCF-style: chr21-34449255-G-A. GRCh37 (hg19) VCF-style: chr21-35821553-G-A.
Other names: c.380C>T, p.Pro127Leu (NM_001127668.4, NM_001127669.4, NM_001127670.4 and 4 more transcripts); short protein forms P127L.
Identifiers: ClinVar variation 1020080 (VCV001020080.10), dbSNP rs1980935216, ClinGen allele CA410197895.